The following is an entry in ClinVar:

ClinVar aggregate classification (germline): Uncertain significance. Review status: criteria provided, multiple submitters, no conflicts (2 of 4 stars). 2 submissions from 2 submitters: Uncertain significance (2). Last evaluated 2026-04-03.

Conditions:
Inborn genetic diseases. Identifiers: MedGen C0950123, MeSH D030342.

gnomAD v4.1: 5 of 1,614,066 alleles (0.00031%); highest among the groups gnomAD compares: Non-Finnish European, 0.00042%; no homozygotes.

Submissions (2):

GeneDx
Classification: Uncertain significance. Last evaluated: 2026-04-03. Review status: criteria provided, single submitter. Criteria: GeneDx Variant Classification Process June 2021. Collection method: clinical testing. Allele origin: germline.
Comment: Not observed at significant frequency in large population cohorts (gnomAD); In silico analysis supports that this missense variant has a deleterious effect on protein structure/function; Has not been previously published as pathogenic or benign to our knowledge

Ambry Genetics
Classification: Uncertain significance for Inborn genetic diseases. Last evaluated: 2020-08-11. Review status: criteria provided, single submitter. Criteria: Ambry Variant Classification Scheme 2023. Collection method: clinical testing. Allele origin: germline.
Comment: The alteration results in an amino acid change:_x000D_ _x000D_ The c.2878G>T (p.D960Y) alteration is located in exon 14 (coding exon 13) of the HECW2 gene. This alteration results from a G to T substitution at nucleotide position 2878, causing the aspartic acid (D) at amino acid position 960 to be replaced by a tyrosine (Y). The alteration is not observed in population databases:_x000D_ _x000D_ Based on data from the Genome Aggregation Database (gnomAD), the HECW2 c.2878G>T alteration was not observed, with coverage at this position. The altered amino acid is conserved throughout evolution:_x000D_ _x000D_ The p.D960 amino acid is conserved in available vertebrate species. The alteration is predicted deleterious by in silico modeling:_x000D_ _x000D_ The p.D960Y alteration is predicted to be deleterious by in silico analysis. Based on insufficient or conflicting evidence, the clinical significance of this alteration remains unclear.

NM_001348768.2(HECW2):c.2878G>T (p.Asp960Tyr)

Gene: HECW2 (HECT, C2 and WW domain containing E3 ubiquitin protein ligase 2; minus strand). Cytogenetic location: 2q32.3.
Variant type: single nucleotide variant.
Coding change: c.2878G>T on transcript NM_001348768.2 (MANE Select); coding-DNA position 2878, G replaced by T.
Protein change: p.Asp960Tyr; replaces aspartic acid 960 with tyrosine.
Molecular consequence: missense variant.
Genome position (GRCh38, 1-based): chr2:196,292,687, C>A on the plus strand (G>T on the coding strand, the complement: HECW2 is on the minus strand). VCF-style: chr2-196292687-C-A. GRCh37 (hg19) VCF-style: chr2-197157411-C-A.
Other names: c.1810G>T, p.Asp604Tyr (NM_001304840.3); c.2878G>T, p.Asp960Tyr (NM_020760.4); short protein forms D604Y, D960Y.
Identifiers: ClinVar variation 2227274 (VCV002227274.4), dbSNP rs2468925488, ClinGen allele CA349960065.
Genomic context (GRCh38, chr2:196,292,687, plus strand): 5'-ACATGTTGAGGAATCCCACAAGGTCGCGGTTATGCTGGTAGCGTTCAAAGTGGTGGGTGT[C>A]CCTCCGGACTTTGGTGATCATGTGCTTCAAACACGTGTTGTTTGTAAACATGCGGTAGGC-3'
Protein context (NP_001335697.1, residues 950-970): LKHMITKVRR[Asp960Tyr]THHFERYQHN